The following is an entry in ClinVar:

ClinVar aggregate classification (germline): Uncertain significance (1 of 4 stars; one submission).

gnomAD v4.1: 2 of 1,592,216 alleles (0.00013%); highest among the groups gnomAD compares: Non-Finnish European, 0.00017%; no homozygotes.

Submission:

Labcorp Genetics (formerly Invitae), Labcorp
Classification: Uncertain significance. Last evaluated: 2024-06-16. Review status: criteria provided, single submitter. Criteria: Invitae Variant Classification Sherloc (09022015). Collection method: clinical testing. Allele origin: germline.
Comment: This sequence change falls in intron 27 of the AP3D1 gene. It does not directly change the encoded amino acid sequence of the AP3D1 protein. It affects a nucleotide within the consensus splice site. This variant is not present in population databases (gnomAD no frequency). This variant has not been reported in the literature in individuals affected with AP3D1-related conditions. Variants that disrupt the consensus splice site are a relatively common cause of aberrant splicing (PMID: 17576681, 9536098). Algorithms developed to predict the effect of sequence changes on RNA splicing suggest that this variant is not likely to affect RNA splicing. In summary, the available evidence is currently insufficient to determine the role of this variant in disease. Therefore, it has been classified as a Variant of Uncertain Significance.

Literature cited by the submitters: PubMed 17576681; PubMed 9536098.

NM_001261826.3(AP3D1):c.3175+3G>T

Gene: AP3D1 (adaptor related protein complex 3 subunit delta 1; minus strand). Cytogenetic location: 19p13.3.
Variant type: single nucleotide variant.
Coding change: c.3175+3G>T on transcript NM_001261826.3 (MANE Select); 3 bases into the intron after coding-DNA position 3175, G replaced by T.
Molecular consequence: intron variant.
Genome position (GRCh38, 1-based): chr19:2,110,704, C>A on the plus strand (G>T on the coding strand, the complement: AP3D1 is on the minus strand). VCF-style: chr19-2110704-C-A. GRCh37 (hg19) VCF-style: chr19-2110703-C-A.
Other names: c.2989+3G>T (NM_003938.8); c.3139+3G>T (NM_001374799.1).
Identifiers: ClinVar variation 3656790 (VCV003656790.2).
Genomic context (GRCh38, chr19:2,110,704, plus strand): 5'-GTCACCAGCTGCCACTGCGCTCCCACAGTCCCCAGGAGAGGCCGTGAGTGGGGCAGGGCT[C>A]ACCTGGGGGCAGCTGGAAAGGCACGGGGACGCCATCGTGGACGGAGGAGCCCTGCGGCCG-3'